The following is an entry in ClinVar:

ClinVar aggregate classification (germline): Uncertain significance (1 of 4 stars; one submission).

Conditions:
Cardiovascular phenotype. Identifiers: MedGen CN230736.

Allele frequency attached by ClinVar (database versions not stated): gnomAD exomes below 0.00001; gnomAD 0.00001; TOPMed 0.00001; ESP Exome Variant Server 0.00008.
gnomAD v4.1: 3 of 1,613,076 alleles (0.00019%); highest among the groups gnomAD compares: African/African-American, 0.004%; no homozygotes.

Submission:

Ambry Genetics
Classification: Uncertain significance for Cardiovascular phenotype. Last evaluated: 2019-09-16. Review status: criteria provided, single submitter. Criteria: Ambry Variant Classification Scheme 2023. Collection method: clinical testing. Allele origin: germline.
Comment: The p.G14260R variant (also known as c.42778G>C), located in coding exon 153 of the TTN gene, results from a G to C substitution at nucleotide position 42778. The glycine at codon 14260 is replaced by arginine, an amino acid with dissimilar properties. This amino acid position is highly conserved in available vertebrate species. In addition, the in silico prediction for this alteration is inconclusive. Since supporting evidence is limited at this time, the clinical significance of this alteration remains unclear.

NM_001267550.2(TTN):c.69973G>C (p.Gly23325Arg)

Genes: TTN (titin; minus strand), TTN-AS1 (TTN antisense RNA 1; plus strand), LOC126806422 (BRD4-independent group 4 enhancer GRCh37_chr2:179440205-179441404; plus strand). Cytogenetic location: 2q31.2.
Variant type: single nucleotide variant.
Coding change: c.69973G>C on transcript NM_001267550.2 (MANE Select); coding-DNA position 69973, G replaced by C.
Protein change: p.Gly23325Arg; replaces glycine 23325 with arginine.
Molecular consequence: missense variant.
Genome position (GRCh38, 1-based): chr2:178,576,159, C>G on the plus strand (G>C on the coding strand, the complement: TTN is on the minus strand). VCF-style: chr2-178576159-C-G. GRCh37 (hg19) VCF-style: chr2-179440886-C-G.
Other names: c.65050G>C, p.Gly21684Arg (NM_001256850.1); c.42778G>C, p.Gly14260Arg (NM_003319.4); c.62269G>C, p.Gly20757Arg (NM_133378.4); c.43153G>C, p.Gly14385Arg (NM_133432.3); c.43354G>C, p.Gly14452Arg (NM_133437.4); short protein forms G14385R, G14452R, G14260R, G20757R, G21684R, G23325R.
Identifiers: ClinVar variation 1739295 (VCV001739295.2), dbSNP rs371871513, ClinGen allele CA61003577.